The following is an entry in ClinVar:

NM_000530.8(MPZ):c.295A>C (p.Ile99Leu)

Gene: MPZ (myelin protein zero; minus strand). Cytogenetic location: 1q23.3.
Variant type: single nucleotide variant.
Coding change: c.295A>C on transcript NM_000530.8 (MANE Select); coding-DNA position 295, A replaced by C.
Protein change: p.Ile99Leu; replaces isoleucine 99 with leucine.
Molecular consequence: missense variant.
Genome position (GRCh38, 1-based): chr1:161,306,861, T>G on the plus strand (A>C on the coding strand, the complement: MPZ is on the minus strand). VCF-style: chr1-161306861-T-G. GRCh37 (hg19) VCF-style: chr1-161276651-T-G.
Other names: c.295A>C, p.Ile99Leu (NM_001315491.2); short protein forms I99L.
Identifiers: ClinVar variation 1493511 (VCV001493511.8), dbSNP rs2102259152, ClinGen allele CA343349600.

ClinVar aggregate classification (germline): Uncertain significance (1 of 4 stars; one submission).

Conditions:
Charcot-Marie-Tooth disease, type I (CMT1). Also called: Charcot-Marie-Tooth disease type 1; Charcot-Marie-Tooth, Type 1. Identifiers: Orphanet 65753, MedGen C0751036, MONDO:0019011.

Submission:

Labcorp Genetics (formerly Invitae), Labcorp
Classification: Uncertain significance for Charcot-Marie-Tooth disease, type I. Last evaluated: 2020-10-26. Review status: criteria provided, single submitter. Criteria: Invitae Variant Classification Sherloc (09022015). Collection method: clinical testing. Allele origin: germline.
Comment: In summary, the available evidence is currently insufficient to determine the role of this variant in disease. Therefore, it has been classified as a Variant of Uncertain Significance. This variant disrupts the p.Ile99 amino acid residue in MPZ. Other variant(s) that disrupt this residue have been determined to be pathogenic (PMID: 9888385, 10093067, 26310628, 11080236, 29687021). This suggests that this residue is clinically significant, and that variants that disrupt this residue are likely to be disease-causing. Algorithms developed to predict the effect of missense changes on protein structure and function (SIFT, PolyPhen-2, Align-GVGD) all suggest that this variant is likely to be tolerated, but these predictions have not been confirmed by published functional studies and their clinical significance is uncertain. This variant has not been reported in the literature in individuals with MPZ-related conditions. This variant is not present in population databases (ExAC no frequency). This sequence change replaces isoleucine with leucine at codon 99 of the MPZ protein (p.Ile99Leu). The isoleucine residue is highly conserved and there is a small physicochemical difference between isoleucine and leucine.

Literature cited by the submitters: PubMed 9888385; PubMed 10093067; PubMed 26310628; PubMed 11080236; PubMed 29687021.